The following is an entry in ClinVar:

ClinVar aggregate classification (germline): Uncertain significance (1 of 4 stars; one submission).

Conditions:
NPR2-related disorder. Also called: NPR2-related condition; NPR2-related disorders.

Allele frequency attached by ClinVar (database versions not stated): gnomAD exomes below 0.00001.
gnomAD v4.1: 1 of 1,613,984 alleles (0.000062%); highest among the groups gnomAD compares: Non-Finnish European, 0.000085%; no homozygotes.

Submission:

PreventionGenetics, part of Exact Sciences
Classification: Uncertain significance for NPR2-related condition. Last evaluated: 2022-12-09. Review status: criteria provided, single submitter. Criteria: ACMG Guidelines, 2015. Collection method: clinical testing. Allele origin: germline.
Comment: The NPR2 c.945A>G variant is predicted to result in the amino acid substitution p.Ile315Met. To our knowledge, this variant has not been reported in the literature or in a large population database, indicating this variant is rare. At this time, the clinical significance of this variant is uncertain due to the absence of conclusive functional and genetic evidence.

NM_003995.4(NPR2):c.945A>G (p.Ile315Met)

Gene: NPR2 (natriuretic peptide receptor 2; plus strand). Cytogenetic location: 9p13.3.
Variant type: single nucleotide variant.
Coding change: c.945A>G on transcript NM_003995.4 (MANE Select); coding-DNA position 945, A replaced by G.
Protein change: p.Ile315Met; replaces isoleucine 315 with methionine.
Molecular consequence: missense variant.
Genome position (GRCh38, 1-based): chr9:35,799,689, A>G. VCF-style: chr9-35799689-A-G. GRCh37 (hg19) VCF-style: chr9-35799686-A-G.
Other names: c.945A>G, p.Ile315Met (NM_001378923.1); short protein forms I315M.
Identifiers: ClinVar variation 2635131 (VCV002635131.1), dbSNP rs2491042591, ClinGen allele CA373369356.